The following is an entry in ClinVar:

NM_000038.6(APC):c.136-2311A>G

Gene: APC (APC regulator of WNT signaling pathway; plus strand). Cytogenetic location: 5q22.2.
Variant type: single nucleotide variant.
Coding change: c.136-2311A>G on transcript NM_000038.6 (MANE Select); 2311 bases into the intron before coding-DNA position 136, A replaced by G.
Molecular consequence: intron variant.
Genome position (GRCh38, 1-based): chr5:112,764,015, A>G. VCF-style: chr5-112764015-A-G. GRCh37 (hg19) VCF-style: chr5-112099712-A-G.
Other names: c.136-2311A>G (NM_001354895.2, NM_001127510.3, NM_001354896.2 and 2 more transcripts); c.166-2311A>G (NM_001354897.2, NM_001354902.2, NM_001127511.3); c.61-2311A>G (NM_001354898.2, NM_001354904.2); c.-900-2311A>G (NM_001354906.2); c.-42-2311A>G (NM_001354900.2, NM_001354901.2, NM_001354905.2).
Identifiers: ClinVar variation 82386 (VCV000082386.2), dbSNP rs80044522, ClinGen allele CA004583.

ClinVar aggregate classification (germline): other (0 of 4 stars; one submission).

Conditions:
Familial colorectal cancer. Identifiers: MedGen CN280943, MONDO:0023113. Disease mechanism: loss of function.

Submission:

Systems Biology Platform Zhejiang California International NanoSystems Institute
Classification: other for Familial colorectal cancer. Review status: no assertion criteria provided. Collection method: not provided. Allele origin: unknown.
ClinVar note: Converted during submission from cancer to other.